The following is an entry in ClinVar:

NM_001282531.3(ADNP):c.1929dup (p.Arg644fs)

Gene: ADNP (activity dependent neuroprotector homeobox; minus strand). Cytogenetic location: 20q13.13.
Variant type: Duplication.
Coding change: c.1929dup on transcript NM_001282531.3 (MANE Select); coding-DNA position 1929, one base duplicated (A; older notation c.1929dupA).
Protein change: p.Arg644fs; shifts the reading frame from arginine 644.
Molecular consequence: frameshift variant.
Genome position (GRCh38, 1-based): chr20:50,892,785, T duplicated on the plus strand (A on the coding strand, the reverse complement: ADNP is on the minus strand). VCF-style (leftmost placement, unchanged base first): chr20-50892784-G-GT. GRCh37 (hg19) VCF-style: chr20-49509321-G-GT.
Other names: c.1929dup, p.Arg644fs (NM_001282532.2, NM_001347511.2, NM_015339.5 and 1 more transcripts); short protein forms R644fs.
Identifiers: ClinVar variation 2026497 (VCV002026497.5), dbSNP rs2515581917, ClinGen allele CA2580098322.

ClinVar aggregate classification (germline): Pathogenic/Likely pathogenic. Review status: criteria provided, multiple submitters, no conflicts (2 of 4 stars). 2 submissions from 2 submitters: Pathogenic (1); Likely pathogenic (1). Last evaluated 2022-08-23.

Conditions:
ADNP-related multiple congenital anomalies - intellectual disability - autism spectrum disorder. Also called: Helsmoortel-Van der Aa Syndrome; ADNP-Related Helsmoortel-Van der Aa Syndrome. Identifiers: Orphanet 404448, MedGen C4014538, MONDO:0014379, OMIM 615873. Disease mechanism: loss of function.

Submissions (2):

Labcorp Genetics (formerly Invitae), Labcorp
Classification: Pathogenic. Last evaluated: 2022-08-23. Review status: criteria provided, single submitter. Criteria: Invitae Variant Classification Sherloc (09022015). Collection method: clinical testing. Allele origin: germline.
Comment: For these reasons, this variant has been classified as Pathogenic. This variant disrupts a region of the ADNP protein in which other variant(s) (p.Met1088Serfs*5) have been determined to be pathogenic (PMID: 28135719). This suggests that this is a clinically significant region of the protein, and that variants that disrupt it are likely to be disease-causing. This variant has not been reported in the literature in individuals affected with ADNP-related conditions. This variant is not present in population databases (gnomAD no frequency). This sequence change creates a premature translational stop signal (p.Arg644Thrfs*14) in the ADNP gene. While this is not anticipated to result in nonsense mediated decay, it is expected to disrupt the last 459 amino acid(s) of the ADNP protein.

Juno Genomics, Hangzhou Juno Genomics, Inc
Classification: Likely pathogenic for ADNP-related multiple congenital anomalies - intellectual disability - autism spectrum disorder. Review status: criteria provided, single submitter. Criteria: ACMG Guidelines, 2015. Collection method: clinical testing. Allele origin: germline. Affected: yes.
Comment: Absent from controls (or at extremely low frequency if recessive) in Genome Aggregation Database.;Null variant in a gene where loss of function (LOF) is a known mechanism of disease.;Patient's phenotype or family history is highly specific for a disease with a single genetic etiology.;De novo (both maternity and paternity confirmed) in a patient with the disease and no family history.

Literature cited by the submitters: PubMed 28135719 (cited by Labcorp Genetics (formerly Invitae), Labcorp).